The following is an entry in ClinVar:

NM_031372.4(HNRNPDL):c.845C>G (p.Thr282Ser)

Gene: HNRNPDL (heterogeneous nuclear ribonucleoprotein D like; minus strand). Cytogenetic location: 4q21.22.
Variant type: single nucleotide variant.
Coding change: c.845C>G on transcript NM_031372.4 (MANE Select); coding-DNA position 845, C replaced by G.
Protein change: p.Thr282Ser; replaces threonine 282 with serine.
Molecular consequence: missense variant. On other transcripts: non-coding transcript variant (1).
Genome position (GRCh38, 1-based): chr4:82,427,494, G>C on the plus strand (C>G on the coding strand, the complement: HNRNPDL is on the minus strand). VCF-style: chr4-82427494-G-C. GRCh37 (hg19) VCF-style: chr4-83348647-G-C.
Other names: c.845C>G, p.Thr282Ser (NM_001207000.1); short protein forms T282S.
Identifiers: ClinVar variation 1965522 (VCV001965522.5), dbSNP rs2530014832, ClinGen allele CA357170108.
Genomic context (GRCh38, chr4:82,427,494, plus strand): 5'-TTCCCAGAACCAATTTGATGGTATCTGCTTTCTAACAATTTTTTTACTGGCTCTTCATCA[G>C]TATATGTGATAAAACAAAATCCTCTTCTTTCATTTGTTTTTGTATCCATGGGAAGTTCAA-3'
Protein context (NP_112740.1, residues 272-292): ERRGFCFITY[Thr282Ser]DEEPVKKLLE

ClinVar aggregate classification (germline): Uncertain significance (1 of 4 stars; one submission).

Conditions:
Autosomal dominant limb-girdle muscular dystrophy type 1G (LGMDD3). Also called: MUSCULAR DYSTROPHY, LIMB-GIRDLE, AUTOSOMAL DOMINANT 3; Limb-girdle muscular dystrophy, type 1G. Identifiers: Orphanet 55596, MedGen C1836765, MONDO:0012193, OMIM 609115.

Submission:

Labcorp Genetics (formerly Invitae), Labcorp
Classification: Uncertain significance for Autosomal dominant limb-girdle muscular dystrophy type 1G. Last evaluated: 2023-11-24. Review status: criteria provided, single submitter. Criteria: Invitae Variant Classification Sherloc (09022015). Collection method: clinical testing. Allele origin: germline.
Comment: This sequence change replaces threonine, which is neutral and polar, with serine, which is neutral and polar, at codon 282 of the HNRNPDL protein (p.Thr282Ser). This variant is not present in population databases (gnomAD no frequency). This variant has not been reported in the literature in individuals affected with HNRNPDL-related conditions. ClinVar contains an entry for this variant (Variation ID: 1965522). An algorithm developed to predict the effect of missense changes on protein structure and function (PolyPhen-2) suggests that this variant is likely to be tolerated. In summary, the available evidence is currently insufficient to determine the role of this variant in disease. Therefore, it has been classified as a Variant of Uncertain Significance.